The following is an entry in ClinVar:

GRCh37/hg19 19p13.12-13.11(chr19:15970389-17893528)x1

Genes: ABHD8 (abhydrolase domain containing 8; minus strand), ANKLE1 (ankyrin repeat and LEM domain containing 1; plus strand), GTPBP3 (GTP binding protein 3, mitochondrial; plus strand), HAUS8 (HAUS augmin like complex subunit 8; minus strand), HSH2D (hematopoietic SH2 domain containing; plus strand) and 43 more. Cytogenetic location: 19p13.12-13.11.
Variant type: copy number loss.
Change: copy number 1 (one copy instead of two) of chr19:15,970,389-17,893,528 (1.92 Mb, GRCh37 coordinates, 1-based), cytogenetic band 19p13.12-13.11.
Identifiers: ClinVar variation 424641 (VCV000424641.3).

ClinVar aggregate classification (germline): Pathogenic (1 of 4 stars; one submission).

Submission:

Institute of Human Genetics, University of Goettingen
Classification: Pathogenic. Last evaluated: 2017-02-06. Review status: criteria provided, single submitter. Criteria: Institute of Human Genetics, HUG, CNV Assertion criteria, 20170113. Collection method: clinical testing. Allele origin: unknown. Affected: yes. Observed: 1 variant allele.
Comment: must be pathogenic regarding the deletion size; larger (nssv576386) and smaller(PMID:19353584) deletions in the region of the deletion are described as pathogenic

Literature cited by the submitters: PubMed 19353584.